The following is an entry in ClinVar:

ClinVar aggregate classification (germline): Likely pathogenic (1 of 4 stars; one submission).

Conditions:
Alstrom syndrome (ALMS). Identifiers: Orphanet 64, MedGen C0268425, MONDO:0008763, OMIM 203800.

Submission:

Natera, Inc.
Classification: Likely pathogenic for Alstrom syndrome. Last evaluated: 2024-03-08. Review status: criteria provided, single submitter. Criteria: Natera Variant Classification Schema (03/2026). Collection method: clinical testing. Allele origin: germline.
Comment: The c.5795_5796insAA variant in ALMS1 is a frameshift variant predicted to shift the reading frame beginning at codon 1933 and leads to a stop codon 8 codons downstream. This variant is expected to result in nonsense mediated decay, truncation, or a dysfunctional protein product. This variant is rare in the general population with a frequency below the threshold expected for the associated phenotype(s). Given the available evidence, this variant is classified as Likely Pathogenic.

NM_001378454.1(ALMS1):c.5792_5793insAA (p.Glu1932fs)

Gene: ALMS1 (ALMS1 centrosome and basal body associated protein; plus strand). Cytogenetic location: 2p13.1.
Variant type: Insertion.
Coding change: c.5792_5793insAA on transcript NM_001378454.1 (MANE Select); coding-DNA positions 5792 to 5793, AA inserted.
Protein change: p.Glu1932fs; shifts the reading frame from glutamic acid 1932.
Molecular consequence: frameshift variant.
Genome position: GRCh38 VCF-style: chr2-73452319-C-CAA. GRCh37 (hg19) VCF-style: chr2-73679446-C-CAA.
Other names: c.5795_5796insAA, p.Glu1933fs (NM_015120.4); short protein forms E1932fs, E1933fs.
Identifiers: ClinVar variation 4815794 (VCV004815794.1).
Genomic context (GRCh38, chr2:73,452,319, plus strand): 5'-CAGATGTTACTGAAGAAGCTTTAAATGTTTTTGTTGTTCCTGGACAAGGTGACCGGAAGA[C>CAA]TGAGATACCAACAGTACCTTTAAGTTACTACTCACGTAGAGAGAAGCCCAGTGTTATCTC-3'